The following is an entry in ClinVar:

ClinVar aggregate classification (germline): Uncertain significance (1 of 4 stars; one submission).

Conditions:
Epilepsy, familial adult myoclonic, 5 (EPEO5). Also called: CORTICAL MYOCLONIC TREMOR WITH EPILEPSY, FAMILIAL, 5. Identifiers: Orphanet 86814, MedGen C3809374, MONDO:0014167, OMIM 615400.

Allele frequency attached by ClinVar (database versions not stated): gnomAD exomes below 0.00001; ExAC 0.00001.

Submission:

Labcorp Genetics (formerly Invitae), Labcorp
Classification: Uncertain significance for Epilepsy, familial adult myoclonic, 5. Last evaluated: 2023-07-17. Review status: criteria provided, single submitter. Criteria: Invitae Variant Classification Sherloc (09022015). Collection method: clinical testing. Allele origin: germline.
Comment: ClinVar contains an entry for this variant (Variation ID: 1421341). Advanced modeling of protein sequence and biophysical properties (such as structural, functional, and spatial information, amino acid conservation, physicochemical variation, residue mobility, and thermodynamic stability) performed at Invitae indicates that this missense variant is not expected to disrupt CNTN2 protein function. Algorithms developed to predict the effect of sequence changes on RNA splicing suggest that this variant may disrupt the consensus splice site. In summary, the available evidence is currently insufficient to determine the role of this variant in disease. Therefore, it has been classified as a Variant of Uncertain Significance. This variant has not been reported in the literature in individuals affected with CNTN2-related conditions. This variant is present in population databases (rs761355817, gnomAD 0.0009%). This sequence change replaces valine, which is neutral and non-polar, with isoleucine, which is neutral and non-polar, at codon 982 of the CNTN2 protein (p.Val982Ile).

NM_005076.5(CNTN2):c.2944G>A (p.Val982Ile)

Genes: CNTN2 (contactin 2; plus strand), LOC126805985 (MED14-independent group 3 enhancer GRCh37_chr1:205041546-205042745; plus strand). Cytogenetic location: 1q32.1.
Variant type: single nucleotide variant.
Coding change: c.2944G>A on transcript NM_005076.5 (MANE Select); coding-DNA position 2944, G replaced by A.
Protein change: p.Val982Ile; replaces valine 982 with isoleucine.
Molecular consequence: missense variant. On other transcripts: non-coding transcript variant (1).
Genome position (GRCh38, 1-based): chr1:205,073,167, G>A. VCF-style: chr1-205073167-G-A. GRCh37 (hg19) VCF-style: chr1-205042295-G-A.
Other names: c.2944G>A, p.Val982Ile (NM_001346083.2); short protein forms V982I.
Identifiers: ClinVar variation 1421341 (VCV001421341.6), dbSNP rs761355817, ClinGen allele CA1351840.